The following is an entry in ClinVar:

ClinVar aggregate classification (germline): Uncertain significance (1 of 4 stars; one submission).

Allele frequency attached by ClinVar (database versions not stated): gnomAD exomes below 0.00001.
gnomAD v4.1: 1 of 1,611,044 alleles (0.000062%); highest among the groups gnomAD compares: Non-Finnish European, 0.000085%; no homozygotes.

Submission:

GeneDx
Classification: Uncertain significance. Last evaluated: 2022-03-25. Review status: criteria provided, single submitter. Criteria: GeneDx Variant Classification Process June 2021. Collection method: clinical testing. Allele origin: germline. Affected: yes.
Comment: Not observed at significant frequency in large population cohorts (gnomAD); In silico analysis supports that this missense variant has a deleterious effect on protein structure/function; Has not been previously published as pathogenic or benign to our knowledge

NM_000108.5(DLD):c.656T>A (p.Ile219Asn)

Gene: DLD (dihydrolipoamide dehydrogenase; plus strand). Cytogenetic location: 7q31.1.
Variant type: single nucleotide variant.
Coding change: c.656T>A on transcript NM_000108.5 (MANE Select); coding-DNA position 656, T replaced by A.
Protein change: p.Ile219Asn; replaces isoleucine 219 with asparagine.
Molecular consequence: missense variant.
Genome position (GRCh38, 1-based): chr7:107,906,340, T>A. VCF-style: chr7-107906340-T-A. GRCh37 (hg19) VCF-style: chr7-107546785-T-A.
Other names: c.359T>A, p.Ile120Asn (NM_001289750.1); c.587T>A, p.Ile196Asn (NM_001289751.1); c.512T>A, p.Ile171Asn (NM_001289752.1); short protein forms I120N, I171N, I196N, I219N.
Identifiers: ClinVar variation 1706710 (VCV001706710.2), dbSNP rs2032006962, ClinGen allele CA368855885.
Genomic context (GRCh38, chr7:107,906,340, plus strand): 5'-CAATAGTGTCATCTACAGGTGCTTTATCTTTAAAAAAAGTTCCAGAAAAGATGGTTGTTA[T>A]TGGTGCAGGAGTAATAGGTGTAGAATTGGTAAGTGTTGTCTTTCTGCCTCTTATTACCTC-3'
Protein context (NP_000099.2, residues 209-229): LKKVPEKMVV[Ile219Asn]GAGVIGVELG